The following is an entry in ClinVar:

NM_181703.4(GJA5):c.271G>C (p.Val91Leu)

Gene: GJA5 (gap junction protein alpha 5; minus strand). Cytogenetic location: 1q21.2.
Variant type: single nucleotide variant.
Coding change: c.271G>C on transcript NM_181703.4 (MANE Select); coding-DNA position 271, G replaced by C.
Protein change: p.Val91Leu; replaces valine 91 with leucine.
Molecular consequence: missense variant.
Genome position (GRCh38, 1-based): chr1:147,758,968, C>G on the plus strand (G>C on the coding strand, the complement: GJA5 is on the minus strand). VCF-style: chr1-147758968-C-G. GRCh37 (hg19) VCF-style: chr1-147231076-C-G.
Other names: c.271G>C, p.Val91Leu (NM_005266.7); short protein forms V91L.
Identifiers: ClinVar variation 4790313 (VCV004790313.1).

ClinVar aggregate classification (germline): Uncertain significance (1 of 4 stars; one submission).

Conditions:
Atrial fibrillation, familial, 11 (ATFB11). Identifiers: MedGen C3279693, MONDO:0013544, OMIM 614049.
Atrial standstill 1 (ATRST1). Also called: ATRIAL CARDIOMYOPATHY WITH HEART BLOCK; CARDIOMYOPATHY, FAMILIAL, WITH CONDUCTION DISTURBANCE; Atrial standstill, digenic (GJA5/SCN5A). Identifiers: Orphanet 1344, MedGen C4551959, MONDO:0007171, OMIM 108770.

Submission:

Labcorp Genetics (formerly Invitae), Labcorp
Classification: Uncertain significance for Atrial fibrillation, familial, 11; Atrial standstill 1. Last evaluated: 2025-02-10. Review status: criteria provided, single submitter. Criteria: Invitae Variant Classification Sherloc (09022015). Collection method: clinical testing. Allele origin: germline.
Comment: This sequence change replaces valine, which is neutral and non-polar, with leucine, which is neutral and non-polar, at codon 91 of the GJA5 protein (p.Val91Leu). This variant is not present in population databases (gnomAD no frequency). This variant has not been reported in the literature in individuals affected with GJA5-related conditions. Invitae Evidence Modeling of protein sequence and biophysical properties (such as structural, functional, and spatial information, amino acid conservation, physicochemical variation, residue mobility, and thermodynamic stability) indicates that this missense variant is not expected to disrupt GJA5 protein function with a negative predictive value of 80%. In summary, the available evidence is currently insufficient to determine the role of this variant in disease. Therefore, it has been classified as a Variant of Uncertain Significance.